The following is an entry in ClinVar:

NM_004006.3(DMD):c.6620A>G (p.Glu2207Gly)

Gene: DMD (dystrophin; minus strand). Cytogenetic location: Xp21.1.
Variant type: single nucleotide variant.
Coding change: c.6620A>G on transcript NM_004006.3 (MANE Select); coding-DNA position 6620, A replaced by G.
Protein change: p.Glu2207Gly; replaces glutamic acid 2207 with glycine.
Molecular consequence: missense variant. On other transcripts: 5 prime UTR variant (5).
Genome position (GRCh38, 1-based): chrX:31,932,222, T>C on the plus strand (A>G on the coding strand, the complement: DMD is on the minus strand). VCF-style: chrX-31932222-T-C. GRCh37 (hg19) VCF-style: chrX-31950339-T-C.
Other names: c.6596A>G, p.Glu2199Gly (NM_000109.4); c.6608A>G, p.Glu2203Gly (NM_004009.3); c.6251A>G, p.Glu2084Gly (NM_004010.3); c.2597A>G, p.Glu866Gly (NM_004011.4); c.2588A>G, p.Glu863Gly (NM_004012.4); c.-761A>G (NM_004013.3, NM_004020.4, NM_004021.3 and 2 more transcripts); short protein forms E2203G, E2207G, E2199G, E2084G, E863G, E866G.
Identifiers: ClinVar variation 2851086 (VCV002851086.3), dbSNP rs2533460366, ClinGen allele CA412658423.

ClinVar aggregate classification (germline): Uncertain significance (1 of 4 stars; one submission).

Conditions:
Duchenne muscular dystrophy (DMD). Also called: MUSCULAR DYSTROPHY, PSEUDOHYPERTROPHIC PROGRESSIVE, DUCHENNE TYPE; Duchenne Muscular Dystrophy (DMD). Identifiers: Orphanet 98896, MedGen C0013264, MONDO:0010679, OMIM 310200.

Submission:

Labcorp Genetics (formerly Invitae), Labcorp
Classification: Uncertain significance for Duchenne muscular dystrophy. Last evaluated: 2023-05-01. Review status: criteria provided, single submitter. Criteria: Invitae Variant Classification Sherloc (09022015). Collection method: clinical testing. Allele origin: germline.
Comment: In summary, the available evidence is currently insufficient to determine the role of this variant in disease. Therefore, it has been classified as a Variant of Uncertain Significance. Advanced modeling of protein sequence and biophysical properties (such as structural, functional, and spatial information, amino acid conservation, physicochemical variation, residue mobility, and thermodynamic stability) performed at Invitae indicates that this missense variant is not expected to disrupt DMD protein function. This variant has not been reported in the literature in individuals affected with DMD-related conditions. This variant is not present in population databases (gnomAD no frequency). This sequence change replaces glutamic acid, which is acidic and polar, with glycine, which is neutral and non-polar, at codon 2207 of the DMD protein (p.Glu2207Gly).